The following is an entry in ClinVar:

NM_001384732.1(CPLANE1):c.5105C>T (p.Ser1702Leu)

Gene: CPLANE1 (ciliogenesis and planar polarity effector complex subunit 1; minus strand). Cytogenetic location: 5p13.2.
Variant type: single nucleotide variant.
Coding change: c.5105C>T on transcript NM_001384732.1 (MANE Select); coding-DNA position 5105, C replaced by T.
Protein change: p.Ser1702Leu; replaces serine 1702 with leucine.
Molecular consequence: missense variant.
Genome position (GRCh38, 1-based): chr5:37,183,076, G>A on the plus strand (C>T on the coding strand, the complement: CPLANE1 is on the minus strand). VCF-style: chr5-37183076-G-A. GRCh37 (hg19) VCF-style: chr5-37183178-G-A.
Other names: c.5105C>T, p.Ser1702Leu (NM_023073.4); short protein forms S1702L.
Identifiers: ClinVar variation 1897067 (VCV001897067.4), dbSNP rs1783108453, ClinGen allele CA359494065.
Genomic context (GRCh38, chr5:37,183,076, plus strand): 5'-ATAGCTTTGAAAATACATCTTCTAGTTTTAATGGACTTGGGAGTCCAAAAAATGTGGTTT[G>A]ATGATCTCTGGATTAGACATTTCTCTCTAGTGTCATCTTGTATTTTGTAAATTGACCTTT-3'
Protein context (NP_001371661.1, residues 1692-1712): TREKCLIQRS[Ser1702Leu]NHIFWTPKSI

ClinVar aggregate classification (germline): Uncertain significance (1 of 4 stars; one submission).

Allele frequency attached by ClinVar (database versions not stated): gnomAD exomes below 0.00001.
gnomAD v4.1: 2 of 1,613,328 alleles (0.00012%); highest among the groups gnomAD compares: Middle Eastern, 0.033%; no homozygotes.

Submission:

Labcorp Genetics (formerly Invitae), Labcorp
Classification: Uncertain significance. Last evaluated: 2022-05-03. Review status: criteria provided, single submitter. Criteria: Invitae Variant Classification Sherloc (09022015). Collection method: clinical testing. Allele origin: germline.
Comment: This sequence change replaces serine, which is neutral and polar, with leucine, which is neutral and non-polar, at codon 1702 of the CPLANE1 protein (p.Ser1702Leu). This variant is not present in population databases (gnomAD no frequency). This variant has not been reported in the literature in individuals affected with CPLANE1-related conditions. Advanced modeling of protein sequence and biophysical properties (such as structural, functional, and spatial information, amino acid conservation, physicochemical variation, residue mobility, and thermodynamic stability) performed at Invitae indicates that this missense variant is not expected to disrupt CPLANE1 protein function. In summary, the available evidence is currently insufficient to determine the role of this variant in disease. Therefore, it has been classified as a Variant of Uncertain Significance.